The following is an entry in ClinVar:

NM_002439.5(MSH3):c.1049T>C (p.Leu350Pro)

Gene: MSH3 (mutS homolog 3; plus strand). Cytogenetic location: 5q14.1.
Variant type: single nucleotide variant.
Coding change: c.1049T>C on transcript NM_002439.5 (MANE Select); coding-DNA position 1049, T replaced by C.
Protein change: p.Leu350Pro; replaces leucine 350 with proline.
Molecular consequence: missense variant.
Genome position (GRCh38, 1-based): chr5:80,675,004, T>C. VCF-style: chr5-80675004-T-C. GRCh37 (hg19) VCF-style: chr5-79970823-T-C.
Other names: c.1049T>C (NM_002439.3); short protein forms L350P.
Identifiers: ClinVar variation 1353674 (VCV001353674.7), dbSNP rs1200613814, ClinGen allele CA360267893.

ClinVar aggregate classification (germline): Uncertain significance. Review status: criteria provided, multiple submitters, no conflicts (2 of 4 stars). 2 submissions from 2 submitters: Uncertain significance (2). Last evaluated 2026-01-14.

Conditions:
Hereditary cancer-predisposing syndrome. Also called: Hereditary neoplastic syndrome; Tumor predisposition; Neoplastic Syndromes, Hereditary; Hereditary Cancer Syndrome. Identifiers: Orphanet 140162, MedGen C0027672, MeSH D009386, MONDO:0015356.

Allele frequency attached by ClinVar (database versions not stated): TOPMed below 0.00001; gnomAD 0.00001.
gnomAD v4.1: 1 of 1,609,238 alleles (0.000062%); highest among the groups gnomAD compares: East Asian, 0.0022%; no homozygotes.

Submissions (2):

Ambry Genetics
Classification: Uncertain significance for Hereditary cancer-predisposing syndrome. Last evaluated: 2026-01-14. Review status: criteria provided, single submitter. Criteria: Ambry Variant Classification Scheme 2023. Collection method: clinical testing. Allele origin: germline.
Comment: The p.L350P variant (also known as c.1049T>C), located in coding exon 7 of the MSH3 gene, results from a T to C substitution at nucleotide position 1049. The leucine at codon 350 is replaced by proline, an amino acid with similar properties. This amino acid position is conserved. In addition, the in silico prediction for this alteration is inconclusive. Based on the available evidence, the clinical significance of this variant remains unclear.

Labcorp Genetics (formerly Invitae), Labcorp
Classification: Uncertain significance. Last evaluated: 2024-03-27. Review status: criteria provided, single submitter. Criteria: Invitae Variant Classification Sherloc (09022015). Collection method: clinical testing. Allele origin: germline.
Comment: This sequence change replaces leucine, which is neutral and non-polar, with proline, which is neutral and non-polar, at codon 350 of the MSH3 protein (p.Leu350Pro). This variant is not present in population databases (gnomAD no frequency). This variant has not been reported in the literature in individuals affected with MSH3-related conditions. ClinVar contains an entry for this variant (Variation ID: 1353674). An algorithm developed to predict the effect of missense changes on protein structure and function (PolyPhen-2) suggests that this variant is likely to be disruptive. In summary, the available evidence is currently insufficient to determine the role of this variant in disease. Therefore, it has been classified as a Variant of Uncertain Significance.